The following is an entry in ClinVar:

ClinVar aggregate classification (germline): Pathogenic. Review status: criteria provided, multiple submitters, no conflicts (2 of 4 stars). 2 submissions from 2 submitters: Pathogenic (2). Last evaluated 2025-05-08.

Submissions (2):

Labcorp Genetics (formerly Invitae), Labcorp
Classification: Pathogenic. Last evaluated: 2025-05-08. Review status: criteria provided, single submitter. Criteria: Invitae Variant Classification Sherloc (09022015). Collection method: clinical testing. Allele origin: germline.
Comment: This sequence change creates a premature translational stop signal (p.Gln1493*) in the COL4A5 gene. It is expected to result in an absent or disrupted protein product. Loss-of-function variants in COL4A5 are known to be pathogenic (PMID: 9195222, 10752524, 14514738, 24854265, 26809805). This variant is not present in population databases (gnomAD no frequency). This premature translational stop signal has been observed in individual(s) with Alport syndrome (PMID: 37225412). This variant is also known as c.4495C>T p.Gln1499Ter. Algorithms developed to predict the effect of sequence changes on RNA splicing suggest that this variant may disrupt the consensus splice site. For these reasons, this variant has been classified as Pathogenic.

GeneDx
Classification: Pathogenic. Last evaluated: 2024-12-18. Review status: criteria provided, single submitter. Criteria: GeneDx Variant Classification Process June 2021. Collection method: clinical testing. Allele origin: germline. Affected: yes.
Comment: Nonsense variant predicted to result in protein truncation or nonsense mediated decay in a gene for which loss of function is a known mechanism of disease; Not observed at significant frequency in large population cohorts (gnomAD); Has not been previously published as pathogenic or benign to our knowledge

Literature cited by the submitters: PubMed 9195222 (cited by Labcorp Genetics (formerly Invitae), Labcorp); PubMed 10752524 (cited by Labcorp Genetics (formerly Invitae), Labcorp); PubMed 14514738 (cited by Labcorp Genetics (formerly Invitae), Labcorp); PubMed 24854265 (cited by Labcorp Genetics (formerly Invitae), Labcorp); PubMed 26809805 (cited by Labcorp Genetics (formerly Invitae), Labcorp); PubMed 37225412 (cited by Labcorp Genetics (formerly Invitae), Labcorp).

NM_033380.3(COL4A5):c.4495C>T (p.Gln1499Ter)

Gene: COL4A5 (collagen type IV alpha 5 chain; plus strand). Cytogenetic location: Xq22.3.
Variant type: single nucleotide variant.
Coding change: c.4495C>T on transcript NM_033380.3 (MANE Select); coding-DNA position 4495, C replaced by T.
Protein change: p.Gln1499Ter; replaces glutamine 1499 with a stop codon.
Molecular consequence: nonsense.
Genome position (GRCh38, 1-based): chrX:108,687,661, C>T. VCF-style: chrX-108687661-C-T. GRCh37 (hg19) VCF-style: chrX-107930891-C-T.
Other names: c.4477C>T, p.Gln1493Ter (NM_000495.5); short protein forms Q1493*, Q1499*.
Identifiers: ClinVar variation 3906520 (VCV003906520.2).